The following is an entry in ClinVar:

NM_000069.3(CACNA1S):c.1926C>G (p.Ile642Met)

Gene: CACNA1S (calcium voltage-gated channel subunit alpha1 S; minus strand). Cytogenetic location: 1q32.1.
Variant type: single nucleotide variant.
Coding change: c.1926C>G on transcript NM_000069.3 (MANE Select); coding-DNA position 1926, C replaced by G.
Protein change: p.Ile642Met; replaces isoleucine 642 with methionine.
Molecular consequence: missense variant.
Genome position (GRCh38, 1-based): chr1:201,075,517, G>C on the plus strand (C>G on the coding strand, the complement: CACNA1S is on the minus strand). VCF-style: chr1-201075517-G-C. GRCh37 (hg19) VCF-style: chr1-201044645-G-C.
Other names: short protein forms I642M.
Identifiers: ClinVar variation 806317 (VCV000806317.45), dbSNP rs1294275087, ClinGen allele CA344116635.

ClinVar aggregate classification (germline): Uncertain significance. Review status: criteria provided, multiple submitters, no conflicts (2 of 4 stars). 2 submissions from 2 submitters: Uncertain significance (2). Last evaluated 2022-11-01.

Conditions:
Hypokalemic periodic paralysis, type 1. Also called: Hypokalemic Periodic Paralysis Type 1 (AD); HypoPP. Identifiers: Orphanet 681, MedGen C3714580, MONDO:0042979, OMIM 170400.
Malignant hyperthermia, susceptibility to, 5 (MHS5). Also called: CACNA1S-Related Malignant Hyperthermia Susceptibility. Identifiers: Orphanet 423, MedGen C1866077, MONDO:0011163, OMIM 601887.

Submissions (2):

Labcorp Genetics (formerly Invitae), Labcorp
Classification: Uncertain significance for Hypokalemic periodic paralysis, type 1; Malignant hyperthermia, susceptibility to, 5. Last evaluated: 2022-11-01. Review status: criteria provided, single submitter. Criteria: Invitae Variant Classification Sherloc (09022015). Collection method: clinical testing. Allele origin: germline.
Comment: In summary, the available evidence is currently insufficient to determine the role of this variant in disease. Therefore, it has been classified as a Variant of Uncertain Significance. Advanced modeling of protein sequence and biophysical properties (such as structural, functional, and spatial information, amino acid conservation, physicochemical variation, residue mobility, and thermodynamic stability) has been performed at Invitae for this missense variant, however the output from this modeling did not meet the statistical confidence thresholds required to predict the impact of this variant on CACNA1S protein function. ClinVar contains an entry for this variant (Variation ID: 806317). This variant has not been reported in the literature in individuals affected with CACNA1S-related conditions. This variant is not present in population databases (gnomAD no frequency). This sequence change replaces isoleucine, which is neutral and non-polar, with methionine, which is neutral and non-polar, at codon 642 of the CACNA1S protein (p.Ile642Met).

CeGaT Center for Human Genetics Tuebingen
Classification: Uncertain significance. Last evaluated: 2017-06-01. Review status: criteria provided, single submitter. Criteria: CeGaT Center For Human Genetics Tuebingen Variant Classification Criteria Version 2. Collection method: clinical testing. Allele origin: germline. Affected: yes. Observed: 1 variant allele.